The following is an entry in ClinVar:

NM_000081.4(LYST):c.6159_6160del (p.Met2053fs)

Gene: LYST (lysosomal trafficking regulator; minus strand). Cytogenetic location: 1q42.3.
Variant type: Deletion.
Coding change: c.6159_6160del on transcript NM_000081.4 (MANE Select); coding-DNA positions 6159 to 6160, 2 bases deleted (GT; older notation c.6159_6160delGT).
Protein change: p.Met2053fs; shifts the reading frame from methionine 2053.
Molecular consequence: frameshift variant.
Genome position (GRCh38, 1-based): chr1:235,762,813-235,762,814, AC deleted on the plus strand (GT on the coding strand, the reverse complement: LYST is on the minus strand); deleting any 2 consecutive bases within chr1:235,762,813-235,762,815 gives the same sequence; the c. name uses the placement nearest the transcript's 3' end. VCF-style (leftmost placement, unchanged base first): chr1-235762812-TAC-T. GRCh37 (hg19) VCF-style: chr1-235926112-TAC-T.
Other names: c.6159_6160del, p.Met2053fs (NM_001301365.1); short protein forms M2053fs.
Identifiers: ClinVar variation 3384025 (VCV003384025.1).

ClinVar aggregate classification (germline): Pathogenic (1 of 4 stars; one submission).

Conditions:
Chédiak-Higashi syndrome (CHS). Also called: Chediak-Higashi Syndrome. Identifiers: Orphanet 167, MedGen C0007965, MONDO:0008963, OMIM 214500.

Submission:

Dubai Health Genomic Medicine Center, Dubai Health
Classification: Pathogenic for Chediak-Higashi syndrome. Last evaluated: 2024-10-04. Review status: criteria provided, single submitter. Criteria: ACMG Guidelines, 2015. Collection method: research. Allele origin: germline. Affected: yes.
Comment: PVS1,PM2,PM3 moderate